The following is an entry in ClinVar:

ClinVar aggregate classification (germline): Benign. Review status: criteria provided, multiple submitters, no conflicts (2 of 4 stars). 6 submissions from 6 submitters: Benign (5). 1 of the submissions does not count toward it. Last evaluated 2026-02-01.

Conditions:
SYNE2-related disorder. Also called: SYNE2-related condition.
Emery-Dreifuss muscular dystrophy 5, autosomal dominant (EDMD5). Also called: EMERY-DREIFUSS MUSCULAR DYSTROPHY 5. Identifiers: Orphanet 261, MedGen C2751805, MONDO:0013072, OMIM 612999.

Allele frequency attached by ClinVar (database versions not stated): ESP Exome Variant Server 0.08627; TOPMed 0.09122; 1000 Genomes Project 0.09245; 1000 Genomes Project 30x 0.09322.
gnomAD v4.1: 98,270 of 1,613,786 alleles (6.1%); highest among the groups gnomAD compares: African/African-American, 16%; 3,633 homozygotes.

Submissions (6):

Labcorp Genetics (formerly Invitae), Labcorp
Classification: Benign for Emery-Dreifuss muscular dystrophy 5, autosomal dominant. Last evaluated: 2026-02-01. Review status: criteria provided, single submitter. Criteria: Invitae Variant Classification Sherloc (09022015). Collection method: clinical testing. Allele origin: germline.

GeneDx
Classification: Benign. Last evaluated: 2018-07-09. Review status: criteria provided, single submitter. Criteria: GeneDx Variant Classification Process June 2021. Collection method: clinical testing. Allele origin: germline. Affected: yes.

Illumina Laboratory Services, Illumina
Classification: Benign for Emery-Dreifuss muscular dystrophy 5, autosomal dominant. Last evaluated: 2018-01-13. Review status: criteria provided, single submitter. Criteria: ICSL Variant Classification Criteria 13 December 2019. Collection method: clinical testing. Allele origin: germline.
Comment: This variant was observed in the ICSL laboratory as part of a predisposition screen in an ostensibly healthy population. It had not been previously curated by ICSL or reported in the Human Gene Mutation Database (HGMD: prior to June 1st, 2018), and was therefore a candidate for classification through an automated scoring system. Utilizing variant allele frequency, disease prevalence and penetrance estimates, and inheritance mode, an automated score was calculated to assess if this variant is too frequent to cause the disease. Based on the score and internal cut-off values, a variant classified as benign is not then subjected to further curation. The score for this variant resulted in a classification of benign for this disease.

Genetic Services Laboratory, University of Chicago
Classification: Benign for AllHighlyPenetrant. Last evaluated: 2013-08-15. Review status: criteria provided, single submitter. Criteria: ACMG Guidelines, 2007. Collection method: clinical testing. Allele origin: germline. Inheritance: Autosomal dominant inheritance.

Breakthrough Genomics
Classification: Benign. Review status: criteria provided, single submitter. Criteria: ACMG Guidelines, 2015. Collection method: not provided. Allele origin: germline. Inheritance: Autosomal dominant inheritance. Affected: yes.

PreventionGenetics, part of Exact Sciences
Classification: Benign for SYNE2-related condition. Last evaluated: 2019-12-05. Review status: no assertion criteria provided. Collection method: clinical testing. Allele origin: germline. Not counted in ClinVar's aggregate classification.
Comment: This variant is classified as benign based on ACMG/AMP sequence variant interpretation guidelines (Richards et al. 2015 PMID: 25741868, with internal and published modifications).

NM_182914.3(SYNE2):c.11944A>C (p.Asn3982His)

Gene: SYNE2 (spectrin repeat containing nuclear envelope protein 2; plus strand). Cytogenetic location: 14q23.2.
Variant type: single nucleotide variant.
Coding change: c.11944A>C on transcript NM_182914.3 (MANE Select); coding-DNA position 11944, A replaced by C.
Protein change: p.Asn3982His; replaces asparagine 3982 with histidine.
Molecular consequence: missense variant.
Genome position (GRCh38, 1-based): chr14:64,091,016, A>C. VCF-style: chr14-64091016-A-C. GRCh37 (hg19) VCF-style: chr14-64557734-A-C.
Other names: c.11944A>C, p.Asn3982His (NM_015180.6); short protein forms N3982H.
Identifiers: ClinVar variation 130461 (VCV000130461.22), dbSNP rs10137972, ClinGen allele CA155512.